The following is an entry in ClinVar:

ClinVar aggregate classification (germline): Uncertain significance (1 of 4 stars; one submission).

Conditions:
EPM2A-related disorder. Also called: EPM2A-related condition.

gnomAD v4.1: 1 of 1,242,584 alleles (0.00008%); highest among the groups gnomAD compares: Non-Finnish European, 0.0001%; no homozygotes.

Submission:

PreventionGenetics, part of Exact Sciences
Classification: Uncertain significance for EPM2A-related condition. Last evaluated: 2025-10-21. Review status: criteria provided, single submitter. Criteria: ACMG Guidelines, 2015. Collection method: clinical testing. Allele origin: germline.
Comment: The EPM2A c.50G>A variant is predicted to result in the amino acid substitution p.Arg17Gln. To our knowledge, this variant has not been reported in the literature or in a large population database (gnomAD), indicating this variant is rare. At this time, the clinical significance of this variant is uncertain due to the absence of conclusive functional and genetic evidence.

NM_005670.4(EPM2A):c.50G>A (p.Arg17Gln)

Genes: EPM2A (EPM2A glucan phosphatase, laforin; minus strand), EPM2A-DT (EPM2A divergent transcript; plus strand), LOC129997381 (ATAC-STARR-seq lymphoblastoid silent region 17642; plus strand). Cytogenetic location: 6q24.3.
Variant type: single nucleotide variant.
Coding change: c.50G>A on transcript NM_005670.4 (MANE Select); coding-DNA position 50, G replaced by A.
Protein change: p.Arg17Gln; replaces arginine 17 with glutamine.
Molecular consequence: missense variant. On other transcripts: 5 prime UTR variant (3), intron variant (1).
Genome position (GRCh38, 1-based): chr6:145,735,449, C>T on the plus strand (G>A on the coding strand, the complement: EPM2A is on the minus strand). VCF-style: chr6-145735449-C-T. GRCh37 (hg19) VCF-style: chr6-146056585-C-T.
Other names: c.50G>A, p.Arg17Gln (NM_001018041.2, NM_001360057.2, NM_001368130.1); c.-620G>A (NM_001360071.2); c.-574G>A (NM_001368129.2); c.-318G>A (NM_001368131.1); c.-114+459G>A (NM_001360064.2); short protein forms R17Q.
Identifiers: ClinVar variation 4977191 (VCV004977191.1).